The following is an entry in ClinVar:

ClinVar aggregate classification (germline): Uncertain significance (1 of 4 stars; one submission).

Allele frequency attached by ClinVar (database versions not stated): TOPMed below 0.00001.

Submission:

Labcorp Genetics (formerly Invitae), Labcorp
Classification: Uncertain significance. Last evaluated: 2021-11-06. Review status: criteria provided, single submitter. Criteria: Invitae Variant Classification Sherloc (09022015). Collection method: clinical testing. Allele origin: germline.
Comment: Algorithms developed to predict the effect of missense changes on protein structure and function are either unavailable or do not agree on the potential impact of this missense change (SIFT: "Not Available"; PolyPhen-2: "Probably Damaging"; Align-GVGD: "Not Available"). In summary, the available evidence is currently insufficient to determine the role of this variant in disease. Therefore, it has been classified as a Variant of Uncertain Significance. This variant has not been reported in the literature in individuals affected with ANK3-related conditions. This variant is not present in population databases (gnomAD no frequency). This sequence change replaces lysine, which is basic and polar, with asparagine, which is neutral and polar, at codon 2336 of the ANK3 protein (p.Lys2336Asn).

NM_020987.5(ANK3):c.7008A>C (p.Lys2336Asn)

Gene: ANK3 (ankyrin 3; minus strand). Cytogenetic location: 10q21.2.
Variant type: single nucleotide variant.
Coding change: c.7008A>C on transcript NM_020987.5 (MANE Select); coding-DNA position 7008, A replaced by C.
Protein change: p.Lys2336Asn; replaces lysine 2336 with asparagine.
Molecular consequence: missense variant. On other transcripts: intron variant (4).
Genome position (GRCh38, 1-based): chr10:60,073,873, T>G on the plus strand (A>C on the coding strand, the complement: ANK3 is on the minus strand). VCF-style: chr10-60073873-T-G. GRCh37 (hg19) VCF-style: chr10-61833631-T-G.
Other names: c.4388-5864A>C (NM_001204403.2); c.4409-5864A>C (NM_001204404.2); c.4406-5864A>C (NM_001320874.2); c.1808-5864A>C (NM_001149.4); short protein forms K2336N.
Identifiers: ClinVar variation 1369160 (VCV001369160.6), dbSNP rs1212696497, ClinGen allele CA377011434.